The following is an entry in ClinVar:

ClinVar aggregate classification (germline): Uncertain significance (1 of 4 stars; one submission).

gnomAD v4.1: 5 of 1,613,984 alleles (0.00031%); highest among the groups gnomAD compares: Admixed American, 0.0017%; no homozygotes.

Submission:

GeneDx
Classification: Uncertain significance. Last evaluated: 2024-05-02. Review status: criteria provided, single submitter. Criteria: GeneDx Variant Classification Process June 2021. Collection method: clinical testing. Allele origin: germline. Affected: yes.
Comment: Not observed at significant frequency in large population cohorts (gnomAD); In silico analysis supports that this missense variant has a deleterious effect on protein structure/function; Has not been previously published as pathogenic or benign to our knowledge

NM_018297.4(NGLY1):c.370T>C (p.Ser124Pro)

Gene: NGLY1 (N-glycanase 1; minus strand). Cytogenetic location: 3p24.2.
Variant type: single nucleotide variant.
Coding change: c.370T>C on transcript NM_018297.4 (MANE Select); coding-DNA position 370, T replaced by C.
Protein change: p.Ser124Pro; replaces serine 124 with proline.
Molecular consequence: missense variant.
Genome position (GRCh38, 1-based): chr3:25,764,188, A>G on the plus strand (T>C on the coding strand, the complement: NGLY1 is on the minus strand). VCF-style: chr3-25764188-A-G. GRCh37 (hg19) VCF-style: chr3-25805679-A-G.
Other names: c.370T>C, p.Ser124Pro (NM_001145293.2, NM_001145295.2); c.244T>C, p.Ser82Pro (NM_001145294.2); short protein forms S124P, S82P.
Identifiers: ClinVar variation 3375882 (VCV003375882.1).
Genomic context (GRCh38, chr3:25,764,188, plus strand): 5'-CACTGGGATTTGAAGATGGTGTTGTAGGAAGCTGGGTACTGGCTGCAGGTTGCTGAGATG[A>G]CTTTACTTTGTGGCTCTTATTTGAGCCATCCAGTCTGCTACTTCTCTCTATGGCAATCAG-3'
Protein context (NP_060767.2, residues 114-134): DGSNKSHKVK[Ser124Pro]SQQPAASTQL